The following is an entry in ClinVar:

ClinVar aggregate classification (germline): Uncertain significance. Review status: criteria provided, multiple submitters, no conflicts (2 of 4 stars). 2 submissions from 2 submitters: Uncertain significance (2). Last evaluated 2025-06-06.

Conditions:
EEF2-related disorder. Also called: EEF2-related condition.

gnomAD v4.1: 17 of 1,609,994 alleles (0.0011%); highest among the groups gnomAD compares: Middle Eastern, 0.033%; no homozygotes.

Submissions (2):

Ambry Genetics
Classification: Uncertain significance. Last evaluated: 2025-06-06. Review status: criteria provided, single submitter. Criteria: Ambry Variant Classification Scheme 2023. Collection method: clinical testing. Allele origin: germline.

PreventionGenetics, part of Exact Sciences
Classification: Uncertain significance for EEF2-related condition. Last evaluated: 2025-01-10. Review status: criteria provided, single submitter. Criteria: ACMG Guidelines, 2015. Collection method: clinical testing. Allele origin: germline.
Comment: The EEF2 c.2488C>T variant is predicted to result in the amino acid substitution p.Arg830Cys. To our knowledge, this variant has not been reported in the literature or in a large population database (gnomAD), indicating this variant is rare. At this time, the clinical significance of this variant is uncertain due to the absence of conclusive functional and genetic evidence.

NM_001961.4(EEF2):c.2488C>T (p.Arg830Cys)

Gene: EEF2 (eukaryotic translation elongation factor 2; minus strand). Cytogenetic location: 19p13.3.
Variant type: single nucleotide variant.
Coding change: c.2488C>T on transcript NM_001961.4 (MANE Select); coding-DNA position 2488, C replaced by T.
Protein change: p.Arg830Cys; replaces arginine 830 with cysteine.
Molecular consequence: missense variant.
Genome position (GRCh38, 1-based): chr19:3,976,643, G>A on the plus strand (C>T on the coding strand, the complement: EEF2 is on the minus strand). VCF-style: chr19-3976643-G-A. GRCh37 (hg19) VCF-style: chr19-3976641-G-A.
Other names: short protein forms R830C.
Identifiers: ClinVar variation 4016336 (VCV004016336.2).